The following is an entry in ClinVar:

NM_022114.4(PRDM16):c.2593C>A (p.Pro865Thr)

Gene: PRDM16 (PR/SET domain 16; plus strand). Cytogenetic location: 1p36.32.
Variant type: single nucleotide variant.
Coding change: c.2593C>A on transcript NM_022114.4 (MANE Select); coding-DNA position 2593, C replaced by A.
Protein change: p.Pro865Thr; replaces proline 865 with threonine.
Molecular consequence: missense variant.
Genome position (GRCh38, 1-based): chr1:3,412,790, C>A. VCF-style: chr1-3412790-C-A. GRCh37 (hg19) VCF-style: chr1-3329354-C-A.
Other names: c.2593C>A, p.Pro865Thr (NM_199454.3); short protein forms P865T.
Identifiers: ClinVar variation 2078267 (VCV002078267.4), dbSNP rs1330865718, ClinGen allele CA338001017.

ClinVar aggregate classification (germline): Uncertain significance (1 of 4 stars; one submission).

Conditions:
Left ventricular noncompaction 8 (LVNC8). Identifiers: Orphanet 154, Orphanet 54260, MedGen C3809288, MONDO:0014152, OMIM 615373.

Allele frequency attached by ClinVar (database versions not stated): gnomAD exomes below 0.00001; TOPMed 0.00001.
gnomAD v4.1: 3 of 1,467,674 alleles (0.0002%); highest among the groups gnomAD compares: Non-Finnish European, 0.00009%; no homozygotes.

Submission:

Labcorp Genetics (formerly Invitae), Labcorp
Classification: Uncertain significance for Left ventricular noncompaction 8. Last evaluated: 2024-07-19. Review status: criteria provided, single submitter. Criteria: Invitae Variant Classification Sherloc (09022015). Collection method: clinical testing. Allele origin: germline.
Comment: This sequence change replaces proline, which is neutral and non-polar, with threonine, which is neutral and polar, at codon 865 of the PRDM16 protein (p.Pro865Thr). This variant is not present in population databases (gnomAD no frequency). This variant has not been reported in the literature in individuals affected with PRDM16-related conditions. ClinVar contains an entry for this variant (Variation ID: 2078267). An algorithm developed to predict the effect of missense changes on protein structure and function (PolyPhen-2) suggests that this variant is likely to be disruptive. In summary, the available evidence is currently insufficient to determine the role of this variant in disease. Therefore, it has been classified as a Variant of Uncertain Significance.